The following is an entry in ClinVar:

NM_001374736.1(DST):c.23055C>T (p.Pro7685=)

Gene: DST (dystonin; minus strand). Cytogenetic location: 6p12.1.
Variant type: single nucleotide variant.
Coding change: c.23055C>T on transcript NM_001374736.1 (MANE Select); coding-DNA position 23055, C replaced by T.
Protein change: p.Pro7685=; no amino-acid change (proline 7685 retained).
Molecular consequence: synonymous variant. On other transcripts: intron variant (2).
Genome position (GRCh38, 1-based): chr6:56,463,061, G>A on the plus strand (C>T on the coding strand, the complement: DST is on the minus strand). VCF-style: chr6-56463061-G-A. GRCh37 (hg19) VCF-style: chr6-56327859-G-A.
Other names: p.Pro5038=; c.16626C>T, p.Pro5542= (NM_001144769.5); c.16212C>T, p.Pro5404= (NM_001144770.2); c.22983C>T, p.Pro7661= (NM_001374722.1); c.23010C>T, p.Pro7670= (NM_001374734.1); c.16074C>T, p.Pro5358= (NM_001386100.1); c.15114C>T, p.Pro5038= (NM_015548.5); c.16092C>T, p.Pro5364= (NM_183380.4); and 2 more.
Identifiers: ClinVar variation 796232 (VCV000796232.36), dbSNP rs201991278, ClinGen allele CA3866058.
Genomic context (GRCh38, chr6:56,463,061, plus strand): 5'-AGTTAAAGGAGAATGTTAAGACTGGACTCTGGGGCCTTACAATACCTCTGCAGATGGCAC[G>A]GGAAAGTCTGAGCACTCTGCTGCTTTACAAGGAGTTGACATTTTGCTGTTTGTCAACCAT-3'
Protein context (NP_001361665.1, residues 7675-7695): PCKAAECSDF[Pro7685=]VPSAEGTPIQ

ClinVar aggregate classification (germline): Likely benign. Review status: criteria provided, multiple submitters, no conflicts (2 of 4 stars). 5 submissions from 5 submitters: Likely benign (4). 1 of the submissions does not count toward it. Last evaluated 2025-10-19.

Conditions:
Hereditary sensory and autonomic neuropathy type 6. Also called: HSAN VI; Neuropathy, hereditary sensory and autonomic, type VI. Identifiers: Orphanet 314381, MedGen C3539003, MONDO:0013839, OMIM 614653.
Epidermolysis bullosa simplex 3, localized or generalized intermediate, with BP230 deficiency (EBS3). Also called: Epidermolysis bullosa simplex, autosomal recessive 2; Epidermolysis bullosa simplex due to BP230 deficiency. Identifiers: Orphanet 412181, MedGen C3809470, MONDO:0014180, OMIM 615425.
DST-related disorder. Also called: DST-related condition; DST-related disorders.

Allele frequency attached by ClinVar (database versions not stated): gnomAD exomes 0.00029 and 0.00053; TOPMed 0.00030; 1000 Genomes Project 30x 0.00031; ExAC 0.00032; 1000 Genomes Project 0.00020; gnomAD 0.00025; ESP Exome Variant Server 0.00057.
gnomAD v4.1: 797 of 1,610,436 alleles (0.049%); highest among the groups gnomAD compares: Non-Finnish European, 0.064%; no homozygotes.

Submissions (5):

Labcorp Genetics (formerly Invitae), Labcorp
Classification: Likely benign for Epidermolysis bullosa simplex 3, localized or generalized intermediate, with BP230 deficiency; Hereditary sensory and autonomic neuropathy type 6. Last evaluated: 2025-10-19. Review status: criteria provided, single submitter. Criteria: Invitae Variant Classification Sherloc (09022015). Collection method: clinical testing. Allele origin: germline.

CeGaT Center for Human Genetics Tuebingen
Classification: Likely benign. Last evaluated: 2025-08-01. Review status: criteria provided, single submitter. Criteria: CeGaT Center For Human Genetics Tuebingen Variant Classification Criteria Version 2. Collection method: clinical testing. Allele origin: germline. Affected: yes. Observed: 2 variant alleles.
Comment: DST: BP4, BP7

Mayo Clinic Laboratories, Mayo Clinic
Classification: Likely benign. Last evaluated: 2024-11-21. Review status: criteria provided, single submitter. Criteria: ACMG Guidelines, 2015. Collection method: clinical testing. Allele origin: germline. Observed: 5 variant alleles.

Blueprint Genetics
Classification: Likely benign. Last evaluated: 2024-08-14. Review status: criteria provided, single submitter. Criteria: ACMG Guidelines, 2015. Collection method: clinical testing. Allele origin: germline.

PreventionGenetics, part of Exact Sciences
Classification: Likely benign for DST-related condition. Last evaluated: 2024-07-24. Review status: no assertion criteria provided. Collection method: clinical testing. Allele origin: germline. Not counted in ClinVar's aggregate classification.
Comment: This variant is classified as likely benign based on ACMG/AMP sequence variant interpretation guidelines (Richards et al. 2015 PMID: 25741868, with internal and published modifications).